The following is an entry in ClinVar:

NM_000368.5(TSC1):c.3303G>A (p.Glu1101=)

Gene: TSC1 (TSC complex subunit 1; minus strand). Cytogenetic location: 9q34.13.
Variant type: single nucleotide variant.
Coding change: c.3303G>A on transcript NM_000368.5 (MANE Select); coding-DNA position 3303, G replaced by A.
Protein change: p.Glu1101=; no amino-acid change (glutamic acid 1101 retained).
Molecular consequence: synonymous variant.
Genome position (GRCh38, 1-based): chr9:132,896,427, C>T on the plus strand (G>A on the coding strand, the complement: TSC1 is on the minus strand). VCF-style: chr9-132896427-C-T. GRCh37 (hg19) VCF-style: chr9-135771814-C-T.
Other names: c.3300G>A, p.Glu1100= (NM_001162426.2); c.3150G>A, p.Glu1050= (NM_001162427.2); c.2940G>A, p.Glu980= (NM_001362177.2).
Identifiers: ClinVar variation 49021 (VCV000049021.41), dbSNP rs118203751, ClinGen allele CA007309.
Genomic context (GRCh38, chr9:132,896,427, plus strand): 5'-CAGTTCTGTCTTTAGGCTCTCAGAAAGGCTACTGGTCATGCCGTCCTCATCACACTGGCT[C>T]TCGCTCTTATTACGAAATAACTCTCGAGCCTTCATACCCAGGAAGCTTTTTGAACTGGGA-3'
Protein context (NP_000359.1, residues 1091-1111): KARELFRNKS[Glu1101=]SQCDEDGMTS

ClinVar aggregate classification (germline): Benign/Likely benign. Review status: criteria provided, multiple submitters, no conflicts (2 of 4 stars). 13 submissions from 12 submitters: Benign (5); Likely benign (6). 2 of the submissions do not count toward it. Last evaluated 2026-01-31.

Conditions:
TSC1-related disorder. Also called: TSC1-related condition.
Hereditary cancer-predisposing syndrome. Also called: Hereditary Cancer Syndrome; Tumor predisposition; Neoplastic Syndromes, Hereditary; Hereditary neoplastic syndrome. Identifiers: Orphanet 140162, MedGen C0027672, MeSH D009386, MONDO:0015356.
Tuberous sclerosis syndrome (TSC). Also called: Tuberous Sclerosis Complex; Tuberous sclerosis. Identifiers: Orphanet 805, MedGen C0041341, MONDO:0001734.
Malignant tumor of urinary bladder. Also called: Bladder cancer; Urinary bladder cancer; Urinary Bladder Neoplasms. Identifiers: MedGen C0005684, MONDO:0001187, OMIM 109800.
Tuberous sclerosis 1 (TSC1). Identifiers: Orphanet 805, MedGen C1854465, MONDO:0008612, OMIM 191100.

Allele frequency attached by ClinVar (database versions not stated): ExAC 0.00007; ESP Exome Variant Server 0.00008; TOPMed 0.00008; gnomAD 0.00010; gnomAD exomes 0.00012; 1000 Genomes Project 30x 0.00016; 1000 Genomes Project 0.00020.

Submissions (13):

Labcorp Genetics (formerly Invitae), Labcorp
Classification: Benign for Tuberous sclerosis 1. Last evaluated: 2026-01-31. Review status: criteria provided, single submitter. Criteria: Invitae Variant Classification Sherloc (09022015). Collection method: clinical testing. Allele origin: germline.

Myriad Genetics, Inc.
Classification: Benign for Tuberous sclerosis 1. Last evaluated: 2025-04-30. Review status: criteria provided, single submitter. Criteria: Myriad Autosomal Dominant, Autosomal Recessive and X-Linked Classification Criteria (2023). Collection method: clinical testing. Allele origin: unknown.
Comment: This variant is considered benign. This variant is a silent/synonymous amino acid change and it is not expected to impact splicing.

PreventionGenetics, part of Exact Sciences
Classification: Likely benign for TSC1-related condition. Last evaluated: 2025-04-10. Review status: criteria provided, single submitter. Criteria: ACMG Guidelines, 2015. Collection method: clinical testing. Allele origin: germline.
Comment: This variant is classified as likely benign based on ACMG/AMP sequence variant interpretation guidelines (Richards et al. 2015 PMID: 25741868, with internal and published modifications).

CeGaT Center for Human Genetics Tuebingen
Classification: Likely benign. Last evaluated: 2025-02-01. Review status: criteria provided, single submitter. Criteria: CeGaT Center For Human Genetics Tuebingen Variant Classification Criteria Version 2. Collection method: clinical testing. Allele origin: germline. Affected: yes. Observed: 1 variant allele.
Comment: TSC1: BP4, BP7

All of Us Research Program, National Institutes of Health
Classification: Likely benign for Tuberous sclerosis syndrome. Last evaluated: 2024-09-23. Review status: criteria provided, single submitter. Criteria: ACMG Guidelines, 2015. Collection method: clinical testing. Allele origin: germline. Inheritance: Autosomal dominant inheritance. Observed: 28 variant alleles, 28 heterozygotes.
Comment: This study involves interpretation of variants in research participants for the purpose of population health screening. Participant phenotype was not available at the time of variant classification. Additional details can be found in publication PMID: 35346344, PMCID: PMC8962531

Color Diagnostics, LLC DBA Color Health
Classification: Likely benign for Tuberous sclerosis syndrome. Last evaluated: 2022-11-06. Review status: criteria provided, single submitter. Criteria: ACMG Guidelines, 2015. Collection method: clinical testing. Allele origin: germline.

Genome-Nilou Lab
Classification: Benign for Tuberous sclerosis 1. Last evaluated: 2021-11-07. Review status: criteria provided, single submitter. Criteria: ACMG Guidelines, 2015. Collection method: clinical testing. Allele origin: germline. Affected: no.

Sema4
Classification: Benign for Hereditary cancer-predisposing syndrome. Last evaluated: 2021-04-10. Review status: criteria provided, single submitter. Criteria: Sema4 Curation Guidelines. Collection method: curation. Allele origin: germline.

GeneDx
Classification: Likely benign. Last evaluated: 2020-09-01. Review status: criteria provided, single submitter. Criteria: GeneDx Variant Classification Process June 2021. Collection method: clinical testing. Allele origin: germline. Affected: yes.
Comment: This variant is associated with the following publications: (PMID: 14633685)

ARUP Laboratories, Molecular Genetics and Genomics, ARUP Laboratories
Classification: Benign. Last evaluated: 2018-09-28. Review status: criteria provided, single submitter. Criteria: ARUP Molecular Germline Variant Investigation Process. Collection method: clinical testing. Allele origin: germline.

Ambry Genetics
Classification: Likely benign for Hereditary cancer-predisposing syndrome. Last evaluated: 2014-12-19. Review status: criteria provided, single submitter. Criteria: Ambry Variant Classification Scheme 2023. Collection method: clinical testing. Allele origin: germline.

Tuberous sclerosis database (TSC1)
No classification provided. Condition: TSC. Review status: no classification provided. Criteria: Tuberous Sclerosis Database Assertion Criteria 2015. Collection method: curation. Allele origin: germline. Affected: yes. Not counted in ClinVar's aggregate classification.

Tuberous sclerosis database (TSC1)
No classification provided. Condition: Bladder cancer. Review status: no classification provided. Criteria: Tuberous Sclerosis Database Assertion Criteria 2015. Collection method: curation. Allele origin: germline. Affected: yes. Not counted in ClinVar's aggregate classification.

Literature cited by the submitters: PubMed 14633685 (cited by Ambry Genetics).